The following is an entry in ClinVar:

NM_000059.4(BRCA2):c.6415_6416delinsAT (p.Glu2139Ile)

Gene: BRCA2 (BRCA2 DNA repair associated; plus strand). Cytogenetic location: 13q13.1.
Variant type: Indel.
Coding change: c.6415_6416delinsAT on transcript NM_000059.4 (MANE Select); coding-DNA positions 6415 to 6416, GA replaced by AT.
Protein change: p.Glu2139Ile; replaces glutamic acid 2139 with isoleucine.
Molecular consequence: missense variant.
Genome position (GRCh38, 1-based): chr13:32,340,770-32,340,771, GA replaced by AT. VCF-style: chr13-32340770-GA-AT. GRCh37 (hg19) VCF-style: chr13-32914907-GA-AT.
Other names: c.6415_6416delGAinsAT (NM_000059.3); short protein forms E2139I.
Identifiers: ClinVar variation 421336 (VCV000421336.19), dbSNP rs1064795067, ClinGen allele CA16619744.

ClinVar aggregate classification (germline): Conflicting classifications of pathogenicity. Review status: criteria provided, conflicting classifications (1 of 4 stars). 7 submissions from 7 submitters: Uncertain significance (6); Likely benign (1). Last evaluated 2025-11-20.

Conditions:
Hereditary cancer-predisposing syndrome. Also called: Hereditary neoplastic syndrome; Tumor predisposition; Neoplastic Syndromes, Hereditary; Hereditary Cancer Syndrome. Identifiers: Orphanet 140162, MedGen C0027672, MeSH D009386, MONDO:0015356.
Hereditary breast ovarian cancer syndrome. Also called: Hereditary breast and ovarian cancer; Hereditary breast and/or ovarian cancer syndrome; Hereditary breast and ovarian cancer syndrome; Hereditary breast and ovarian cancer syndrome (HBOC); Breast and ovarian cancer; BRCA1- and BRCA2-Associated Hereditary Breast and Ovarian Cancer. Identifiers: Orphanet 145, MedGen C0677776, MeSH D061325, MONDO:0003582. Disease mechanism: loss of function.
BRCA2-related disorder. Also called: BRCA2-related condition; BRCA2-related disorders. Identifiers: MedGen CN239275.

Submissions (7):

Ambry Genetics
Classification: Uncertain significance for Hereditary cancer-predisposing syndrome. Last evaluated: 2025-11-20. Review status: criteria provided, single submitter. Criteria: Ambry Variant Classification Scheme 2023. Collection method: clinical testing. Allele origin: germline.
Comment: The c.6415_6416delGAinsAT variant (also known as p.E2139I), located in coding exon 10 of the BRCA2 gene, results from an in-frame deletion of GA and insertion of AT at nucleotide positions 6415 to 6416. This results in the substitution of the glutamic acid residue for an isoleucine residue at codon 2139, an amino acid with dissimilar properties. This amino acid position is well conserved in available vertebrate species. In addition, this alteration is predicted to be neutral by in silico analysis (Choi Y et al. PLoS ONE. 2012; 7(10):e46688). Based on the available evidence, the clinical significance of this variant remains unclear.

Labcorp Genetics (formerly Invitae), Labcorp
Classification: Uncertain significance for Hereditary breast ovarian cancer syndrome. Last evaluated: 2025-09-20. Review status: criteria provided, single submitter. Criteria: Invitae Variant Classification Sherloc (09022015). Collection method: clinical testing. Allele origin: germline.
Comment: This sequence change replaces glutamic acid, which is acidic and polar, with isoleucine, which is neutral and non-polar, at codon 2139 of the BRCA2 protein (p.Glu2139Ile). This variant is present in population databases (no rsID available, gnomAD 0.0009%). This variant has not been reported in the literature in individuals affected with BRCA2-related conditions. ClinVar contains an entry for this variant (Variation ID: 421336). An algorithm developed to predict the effect of missense changes on protein structure and function (PolyPhen-2) suggests that this variant is likely to be disruptive. In summary, the available evidence is currently insufficient to determine the role of this variant in disease. Therefore, it has been classified as a Variant of Uncertain Significance.

Quest Diagnostics Nichols Institute San Juan Capistrano
Classification: Uncertain significance. Last evaluated: 2023-05-04. Review status: criteria provided, single submitter. Criteria: Quest Diagnostics criteria. Collection method: clinical testing. Allele origin: unknown.
Comment: The frequency of this variant in the general population, 0.0000085 (2/235338 chromosomes), is uninformative in assessment of its pathogenicity. In the published literature, the variant has been reported in an unaffected individual (PMID: 30630528 (2018)) as well as in an individual with a BRCA1/BRCA2 related disorder (PMID: 31853058 (2020)). Analysis of this variant using bioinformatics tools for the prediction of the effect of amino acid changes on protein structure and function yielded conflicting predictions that this variant is benign or damaging. Based on the available information, we are unable to determine the clinical significance of this variant.

University of Washington Department of Laboratory Medicine, University of Washington
Classification: Likely benign for Hereditary cancer-predisposing syndrome. Last evaluated: 2023-03-23. Review status: criteria provided, single submitter. Criteria: Dines et al. (Genet Med. 2020). Collection method: curation. Allele origin: germline.
Comment: Missense variant in a coldspot region where missense variants are very unlikely to be pathogenic (PMID:31911673).

BRCA2 exon 11 coldspot. Reclassification based on statistical prior probability.

PreventionGenetics, part of Exact Sciences
Classification: Uncertain significance for BRCA2-related condition. Last evaluated: 2023-03-02. Review status: criteria provided, single submitter. Criteria: ACMG Guidelines, 2015. Collection method: clinical testing. Allele origin: germline.
Comment: The BRCA2 c.6415_6416delinsAT variant is predicted to result in an in-frame deletion and insertion. To our knowledge, this variant has not been reported in the literature or in a large population database, indicating this variant is rare. At this time, the clinical significance of this variant is uncertain due to the absence of conclusive functional and genetic evidence.

Women's Health and Genetics/Laboratory Corporation of America, LabCorp
Classification: Uncertain significance. Last evaluated: 2021-04-30. Review status: criteria provided, single submitter. Criteria: LabCorp Variant Classification Summary - May 2015. Collection method: clinical testing. Allele origin: germline.
Comment: Variant summary: BRCA2 c.6415_6416delinsAT (p.Glu2139Ile) results in a non-conservative amino acid change in the encoded protein sequence. Two of four in-silico tools predict a benign effect of the variant on protein function. The variant allele was found at a frequency of 8.5e-06 in 235338 control chromosomes. The available data on variant occurrences in the general population are insufficient to allow any conclusion about variant significance. To our knowledge, no occurrence of c.6415_6416delinsAT in individuals affected with Hereditary Breast And Ovarian Cancer Syndrome and no experimental evidence demonstrating its impact on protein function have been reported. Three clinical diagnostic laboratories have submitted clinical-significance assessments for this variant to ClinVar after 2014 without evidence for independent evaluation. All laboratories classified the variant as uncertain significance. Based on the evidence outlined above, the variant was classified as uncertain significance.

GeneDx
Classification: Uncertain significance. Last evaluated: 2016-05-28. Review status: criteria provided, single submitter. Criteria: GeneDx Variant Classification (06012015). Collection method: clinical testing. Allele origin: germline. Affected: yes.
Comment: This variant is denoted BRCA2 c.6415_6416delGAinsAT at the cDNA level, p.Glu2139Ile (E2139I) at the protein level. The normal sequence, with the bases that are deleted in braces and inserted in brackets, is TGTT[GA][AT]AGGT. This in frame deletion and insertion, also denoted BRCA2 6643_6644delGAinsAT using alternate nomenclature, occurs on the same allele (in cis) and results in the missense change of a Glutamic Acid to an Isoleucine (GAA>ATA). This variant has not, to our knowledge, been published in the literature as pathogenic or benign. Neither BRCA2 c.6415_6416delGAinsAT nor BRCA2 Glu2139Ile (by this or an alternate nucleotide change) was observed in approximately 6,500 individuals of European and African American ancestry in the NHLBI Exome Sequencing Project, suggesting it is not a common benign variant in these populations. Since Glutamic Acid and Isoleucine differ in polarity, charge, size or other properties, this is considered a non-conservative amino acid substitution. BRCA2 Glu2139Ile occurs at a position that is not conserved and is not located in a functional domain. In silico analyses are inconsistent regarding the effect this variant may have on protein structure and function. Based on currently available information, we consider BRCA2 Glu2139Ile to be a variant of uncertain significance.

Literature cited by the submitters: PubMed 31911673 (cited by Quest Diagnostics Nichols Institute San Juan Capistrano); PubMed 31853058 (cited by Quest Diagnostics Nichols Institute San Juan Capistrano); PubMed 30630528 (cited by Quest Diagnostics Nichols Institute San Juan Capistrano).